The following is an entry in ClinVar:

ClinVar aggregate classification (germline): Conflicting classifications of pathogenicity. Review status: criteria provided, conflicting classifications (1 of 4 stars). 4 submissions from 4 submitters: Uncertain significance (1); Benign (2); Likely benign (1). Last evaluated 2025-11-10.

Conditions:
Arthrogryposis, distal, type 1A. Also called: ARTHROGRYPOSIS MULTIPLEX CONGENITA, DISTAL, TYPE I. Identifiers: Orphanet 1146, MedGen C6022280, MONDO:0007157, OMIM 108120.

Submissions (4):

Labcorp Genetics (formerly Invitae), Labcorp
Classification: Benign for Arthrogryposis, distal, type 1A. Last evaluated: 2025-11-10. Review status: criteria provided, single submitter. Criteria: Invitae Variant Classification Sherloc (09022015). Collection method: clinical testing. Allele origin: germline.

Mayo Clinic Laboratories, Mayo Clinic
Classification: Likely benign. Last evaluated: 2025-03-03. Review status: criteria provided, single submitter. Criteria: ACMG Guidelines, 2015. Collection method: clinical testing. Allele origin: germline. Observed: 1 variant allele.
Comment: BP4, BP7

GeneDx
Classification: Benign. Last evaluated: 2020-01-22. Review status: criteria provided, single submitter. Criteria: GeneDx Variant Classification Process June 2021. Collection method: clinical testing. Allele origin: germline. Affected: yes.

Eurofins Ntd Llc (ga)
Classification: Uncertain significance. Last evaluated: 2014-04-04. Review status: criteria provided, single submitter. Criteria: EGL Classification Definitions 2015. Collection method: clinical testing. Allele origin: germline. Observed: 1 variant allele, 1 heterozygote.

NM_003289.4(TPM2):c.773-3del

Gene: TPM2 (tropomyosin 2; minus strand). Cytogenetic location: 9p13.3.
Variant type: Deletion.
Coding change: c.773-3del on transcript NM_003289.4 (MANE Select); 3 bases into the intron before coding-DNA position 773, one base deleted (C; older notation c.773-3delC).
Molecular consequence: intron variant.
Genome position (GRCh38, 1-based): chr9:35,683,244, G deleted on the plus strand (C on the coding strand, the reverse complement: TPM2 is on the minus strand); the first of 8 consecutive G bases (chr9:35,683,244-35,683,251); deleting any one gives the same sequence. VCF-style (leftmost placement, unchanged base first): chr9-35683243-TG-T. GRCh37 (hg19) VCF-style: chr9-35683240-TG-T.
Other names: p.?; c.773-3delC (NM_003289.3); c.772+1002del (NM_213674.1, NM_001301226.2); c.773-3del (NM_001301227.2).
Identifiers: ClinVar variation 167742 (VCV000167742.17), dbSNP rs35401252, ClinGen allele CA235003.